The following is an entry in ClinVar:

NM_007294.4(BRCA1):c.5278-2A>G

Gene: BRCA1 (BRCA1 DNA repair associated; minus strand). Cytogenetic location: 17q21.31.
Variant type: single nucleotide variant.
Coding change: c.5278-2A>G on transcript NM_007294.4 (MANE Select); the canonical splice acceptor site of the intron before coding-DNA position 5278, A replaced by G.
Molecular consequence: splice acceptor variant. On other transcripts: intron variant (2).
Genome position (GRCh38, 1-based): chr17:43,051,119, T>C on the plus strand (A>G on the coding strand, the complement: BRCA1 is on the minus strand). VCF-style: chr17-43051119-T-C. GRCh37 (hg19) VCF-style: chr17-41203136-T-C.
Other names: c.1825-2A>G (NM_001408462.1, NM_001408465.1, NM_001408463.1 and 7 more transcripts); c.5275-2A>G (NM_001407623.1, NM_001407610.1, NM_001407621.1 and 17 more transcripts); c.5278-2A>G (NM_001407605.1, NM_001407593.1, NM_001407597.1 and 6 more transcripts); c.5065-2A>G (NM_001407902.1, NM_001407897.1, NM_001407908.1 and 12 more transcripts); c.1888-2A>G (NM_001408414.1, NM_001408416.1, NM_001408415.1 and 2 more transcripts); c.1891-2A>G (NM_001408411.1); c.5200-2A>G (NM_001407655.1, NM_001407653.1, NM_001407654.1 and 1 more transcripts); c.4939-2A>G (NM_001407956.1, NM_001407958.1, NM_001407957.1); and 74 more.
Identifiers: ClinVar variation 267593 (VCV000267593.19), dbSNP rs397509253, ClinGen allele CA10590992.

ClinVar aggregate classification (germline): Pathogenic. Review status: criteria provided, multiple submitters, no conflicts (2 of 4 stars). 4 submissions from 4 submitters: Pathogenic (3). 1 of the submissions does not count toward it. Last evaluated 2024-02-23.

Conditions:
Hereditary cancer-predisposing syndrome. Also called: Hereditary Cancer Syndrome; Neoplastic Syndromes, Hereditary; Hereditary neoplastic syndrome; Tumor predisposition. Identifiers: Orphanet 140162, MedGen C0027672, MeSH D009386, MONDO:0015356.
Hereditary breast ovarian cancer syndrome. Also called: Hereditary breast and ovarian cancer syndrome (HBOC); Breast and ovarian cancer; Hereditary breast and ovarian cancer syndrome; Hereditary breast and ovarian cancer; BRCA1- and BRCA2-Associated Hereditary Breast and Ovarian Cancer; Hereditary breast and/or ovarian cancer syndrome. Identifiers: Orphanet 145, MedGen C0677776, MeSH D061325, MONDO:0003582. Disease mechanism: loss of function.
Breast-ovarian cancer, familial, susceptibility to, 1 (BROVCA1). Also called: BRCA1 Hereditary Breast and Ovarian Cancer; OVARIAN CANCER, SUSCEPTIBILITY TO. Identifiers: Orphanet 145, MedGen C2676676, MONDO:0011450, OMIM 604370. Disease mechanism: loss of function.

Submissions (5):

Labcorp Genetics (formerly Invitae), Labcorp
Classification: Pathogenic for Hereditary breast ovarian cancer syndrome. Last evaluated: 2024-02-23. Review status: criteria provided, single submitter. Criteria: Invitae Variant Classification Sherloc (09022015). Collection method: clinical testing. Allele origin: germline.
Comment: This sequence change affects an acceptor splice site in intron 19 of the BRCA1 gene. RNA analysis indicates that disruption of this splice site induces altered splicing and may result in an absent or disrupted protein product. This variant is not present in population databases (gnomAD no frequency). This variant has not been reported in the literature in individuals affected with BRCA1-related conditions. ClinVar contains an entry for this variant (Variation ID: 267593). Algorithms developed to predict the effect of variants on protein structure and function are not available or were not evaluated for this variant. Experimental studies have shown that disruption of this splice site affects BRCA1 function (PMID: 30209399). Studies have shown that disruption of this splice site results in skipping of exon 20 and skipping of 8 bp at the 5'-end of exon 20 and introduces a premature termination codon (PMID: 23239986, 23451180; Invitae). The resulting mRNA is expected to undergo nonsense-mediated decay. For these reasons, this variant has been classified as Pathogenic.

Ambry Genetics
Classification: Pathogenic for Hereditary cancer-predisposing syndrome. Last evaluated: 2023-12-08. Review status: criteria provided, single submitter. Criteria: Ambry Variant Classification Scheme 2023. Collection method: clinical testing. Allele origin: germline.
Comment: The c.5278-2A>G intronic variant results from an A to G substitution two nucleotides upstream from coding exon 19 in the BRCA1 gene. This nucleotide position is highly conserved in available vertebrate species. One functional study found that this nucleotide substitution is non-functional in a high throughput genome editing haploid cell survival assay (Findlay GM et al. Nature, 2018 Oct;562:217-222). This variant is considered to be rare based on population cohorts in the Genome Aggregation Database (gnomAD). In silico splice site analysis predicts that this alteration will weaken the native splice acceptor site and will result in the creation or strengthening of a novel splice acceptor site. Alterations that disrupt the canonical splice site are expected to cause aberrant splicing, resulting in an abnormal protein or a transcript that is subject to nonsense-mediated mRNA decay. Based on the supporting evidence, this alteration is interpreted as a disease-causing mutation.

Consortium of Investigators of Modifiers of BRCA1/2 (CIMBA), c/o University of Cambridge
Classification: Pathogenic for Breast-ovarian cancer, familial, susceptibility to, 1. Last evaluated: 2015-10-02. Review status: criteria provided, single submitter. Criteria: CIMBA Mutation Classification guidelines May 2016. Collection method: clinical testing. Allele origin: germline.

Research Molecular Genetics Laboratory, Women's College Hospital, University of Toronto
Classification: Pathogenic for Hereditary breast ovarian cancer syndrome. Last evaluated: 2014-01-31. Review status: no assertion criteria provided. Collection method: research. Allele origin: germline. Affected: yes. Study: The Canadian Open Genetics Repository (COGR). Not counted in ClinVar's aggregate classification.

Brotman Baty Institute, University of Washington
No classification provided (evidence only). Condition: Breast-ovarian cancer, familial 1. Review status: no classification provided. Collection method: in vitro. Allele origin: not applicable. Functional consequence: functionally_abnormal. Not counted in ClinVar's aggregate classification.
ClinVar note: "not provided" was previously submitted as the classification for the variant. However, the classification appeared to be based only on an observation of functional data so it was converted to no classification on 2025-07-30.

Literature cited by the submitters: PubMed 30209399 (cited by Labcorp Genetics (formerly Invitae), Labcorp and Ambry Genetics); PubMed 23239986 (cited by Labcorp Genetics (formerly Invitae), Labcorp); PubMed 23451180 (cited by Labcorp Genetics (formerly Invitae), Labcorp); PubMed 29446198 (cited by Ambry Genetics).